The following is an entry in ClinVar:

ClinVar aggregate classification (germline): Uncertain significance (1 of 4 stars; one submission).

gnomAD v4.1: 11 of 1,611,932 alleles (0.00068%); highest among the groups gnomAD compares: African/African-American, 0.0027%; no homozygotes.

Submission:

Labcorp Genetics (formerly Invitae), Labcorp
Classification: Uncertain significance. Last evaluated: 2024-11-16. Review status: criteria provided, single submitter. Criteria: Invitae Variant Classification Sherloc (09022015). Collection method: clinical testing. Allele origin: germline.
Comment: This sequence change replaces aspartic acid, which is acidic and polar, with asparagine, which is neutral and polar, at codon 264 of the DDRGK1 protein (p.Asp264Asn). The frequency data for this variant in the population databases is considered unreliable, as metrics indicate poor data quality at this position in the gnomAD database. This variant has not been reported in the literature in individuals affected with DDRGK1-related conditions. An algorithm developed to predict the effect of missense changes on protein structure and function (PolyPhen-2) suggests that this variant is likely to be disruptive. In summary, the available evidence is currently insufficient to determine the role of this variant in disease. Therefore, it has been classified as a Variant of Uncertain Significance.

NM_023935.3(DDRGK1):c.790G>A (p.Asp264Asn)

Gene: DDRGK1 (DDRGK domain containing 1; minus strand). Cytogenetic location: 20p13.
Variant type: single nucleotide variant.
Coding change: c.790G>A on transcript NM_023935.3 (MANE Select); coding-DNA position 790, G replaced by A.
Protein change: p.Asp264Asn; replaces aspartic acid 264 with asparagine.
Molecular consequence: missense variant.
Genome position (GRCh38, 1-based): chr20:3,190,808, C>T on the plus strand (G>A on the coding strand, the complement: DDRGK1 is on the minus strand). VCF-style: chr20-3190808-C-T. GRCh37 (hg19) VCF-style: chr20-3171454-C-T.
Other names: short protein forms D264N.
Identifiers: ClinVar variation 3709327 (VCV003709327.2).
Genomic context (GRCh38, chr20:3,190,808, plus strand): 5'-GGATGAAGTTGGCCACGGCGGCCAGTTCCTCTGGGGTTATGTAGATGAACTTGCCCCGGT[C>T]GTCAATCACACCTGTGGGGACATGCAGGTTGTGGGGCTGAGGCCTCCTGGGCGTTCCCCA-3'
Protein context (NP_076424.1, residues 254-274): AEGTITGVID[Asp264Asn]RGKFIYITPE